The following is an entry in ClinVar:

NM_001379500.1(COL18A1):c.3310C>T (p.Pro1104Ser)

Genes: COL18A1 (collagen type XVIII alpha 1 chain; plus strand), SLC19A1 (solute carrier family 19 member 1; minus strand). Cytogenetic location: 21q22.3.
Variant type: single nucleotide variant.
Coding change: c.3310C>T on transcript NM_001379500.1 (MANE Select); coding-DNA position 3310, C replaced by T.
Protein change: p.Pro1104Ser; replaces proline 1104 with serine.
Molecular consequence: missense variant.
Genome position (GRCh38, 1-based): chr21:45,509,416, C>T. VCF-style: chr21-45509416-C-T. GRCh37 (hg19) VCF-style: chr21-46929330-C-T.
Other names: c.3841C>T, p.Pro1281Ser (NM_030582.4); c.4546C>T, p.Pro1516Ser (NM_130444.3); short protein forms P1281S, P1516S, P1104S.
Identifiers: ClinVar variation 1427015 (VCV001427015.6), dbSNP rs2146119877, ClinGen allele CA410500722.

ClinVar aggregate classification (germline): Uncertain significance (1 of 4 stars; one submission).

Allele frequency attached by ClinVar (database versions not stated): gnomAD exomes below 0.00001.
gnomAD v4.1: 1 of 1,539,404 alleles (0.000065%); no homozygotes.

Submission:

Labcorp Genetics (formerly Invitae), Labcorp
Classification: Uncertain significance. Last evaluated: 2022-09-01. Review status: criteria provided, single submitter. Criteria: Invitae Variant Classification Sherloc (09022015). Collection method: clinical testing. Allele origin: germline.
Comment: In summary, the available evidence is currently insufficient to determine the role of this variant in disease. Therefore, it has been classified as a Variant of Uncertain Significance. Experimental studies and prediction algorithms are not available or were not evaluated, and the functional significance of this variant is currently unknown. ClinVar contains an entry for this variant (Variation ID: 1427015). This variant has not been reported in the literature in individuals affected with COL18A1-related conditions. This variant is not present in population databases (gnomAD no frequency). This sequence change replaces proline, which is neutral and non-polar, with serine, which is neutral and polar, at codon 1101 of the COL18A1 protein (p.Pro1101Ser).